The following is an entry in ClinVar:

NM_015046.7(SETX):c.7005G>C (p.Lys2335Asn)

Gene: SETX (senataxin; minus strand). Cytogenetic location: 9q34.13.
Variant type: single nucleotide variant.
Coding change: c.7005G>C on transcript NM_015046.7 (MANE Select); coding-DNA position 7005, G replaced by C.
Protein change: p.Lys2335Asn; replaces lysine 2335 with asparagine.
Molecular consequence: missense variant.
Genome position (GRCh38, 1-based): chr9:132,275,351, C>G on the plus strand (G>C on the coding strand, the complement: SETX is on the minus strand). VCF-style: chr9-132275351-C-G. GRCh37 (hg19) VCF-style: chr9-135150738-C-G.
Other names: c.7005G>C (NM_015046.5); c.7005G>C, p.Lys2335Asn (NM_001351528.2, NM_001351527.2); short protein forms K2335N.
Identifiers: ClinVar variation 1001873 (VCV001001873.12), dbSNP rs141657462, ClinGen allele CA5296537.

ClinVar aggregate classification (germline): Conflicting classifications of pathogenicity. Review status: criteria provided, conflicting classifications (1 of 4 stars). 4 submissions from 4 submitters: Uncertain significance (3); Likely benign (1). Last evaluated 2026-02-11.

Conditions:
SETX-related disorder. Also called: SETX-related condition; SETX-related disorders. Identifiers: MedGen CN239403.
Spinocerebellar ataxia, autosomal recessive, with axonal neuropathy 2 (SCAN2). Also called: ATAXIA-OCULOMOTOR APRAXIA 2; Ataxia-ocular apraxia-2; Ataxia with Oculomotor Apraxia Type 2; Ataxia with Oculomotor Apraxia. Identifiers: Orphanet 64753, MedGen C1853761, MONDO:0018996, OMIM 606002.
Amyotrophic lateral sclerosis type 4 (ALS4). Also called: AMYOTROPHIC LATERAL SCLEROSIS 4, JUVENILE; NEURONOPATHY, DISTAL HEREDITARY MOTOR, WITH PYRAMIDAL FEATURES. Identifiers: Orphanet 357043, MedGen C1865409, MONDO:0011223, OMIM 602433.

Allele frequency attached by ClinVar (database versions not stated): gnomAD 0.00001; ExAC 0.00002; gnomAD exomes 0.00002; TOPMed 0.00002; ESP Exome Variant Server 0.00015.
gnomAD v4.1: 28 of 1,611,518 alleles (0.0017%); highest among the groups gnomAD compares: Admixed American, 0.0033%; no homozygotes.

Submissions (4):

PreventionGenetics, part of Exact Sciences
Classification: Uncertain significance for SETX-related condition. Last evaluated: 2026-02-11. Review status: criteria provided, single submitter. Criteria: ACMG Guidelines, 2015. Collection method: clinical testing. Allele origin: germline.
Comment: The SETX c.7005G>C variant is predicted to result in the amino acid substitution p.Lys2335Asn. To our knowledge, this variant has not been reported in the literature. This variant is reported in 0.0044% of alleles in individuals of European (non-Finnish) descent in gnomAD. At this time, the clinical significance of this variant is uncertain due to the absence of conclusive functional and genetic evidence.

Labcorp Genetics (formerly Invitae), Labcorp
Classification: Likely benign for Amyotrophic lateral sclerosis type 4; Spinocerebellar ataxia, autosomal recessive, with axonal neuropathy 2. Last evaluated: 2025-10-21. Review status: criteria provided, single submitter. Criteria: Invitae Variant Classification Sherloc (09022015). Collection method: clinical testing. Allele origin: germline.

Blueprint Genetics
Classification: Uncertain significance. Last evaluated: 2023-10-17. Review status: criteria provided, single submitter. Criteria: ACMG Guidelines, 2015. Collection method: clinical testing. Allele origin: germline.

Athena Diagnostics
Classification: Uncertain significance. Last evaluated: 2022-12-06. Review status: criteria provided, single submitter. Criteria: Athena Diagnostics Criteria. Collection method: clinical testing. Allele origin: unknown.
Comment: Available data are insufficient to determine the clinical significance of the variant at this time. The frequency of this variant in the general population is uninformative in assessment of its pathogenicity. Computational tools predict that this variant is not damaging.